The following is an entry in ClinVar:

ClinVar aggregate classification (germline): Uncertain significance (1 of 4 stars; one submission).

Conditions:
Dyskeratosis congenita, autosomal dominant 1 (DKCA1). Also called: Dyskeratosis congenita Scoggins type. Identifiers: Orphanet 1775, MedGen C4551974, MONDO:0007485, OMIM 127550. Inheritance: Variable.

Allele frequency attached by ClinVar (database versions not stated): gnomAD exomes 0.00001; ExAC 0.00002.
gnomAD v4.1: 3 of 755,282 alleles (0.0004%); highest among the groups gnomAD compares: South Asian, 0.0027%; no homozygotes.

Submission:

Labcorp Genetics (formerly Invitae), Labcorp
Classification: Uncertain significance for Dyskeratosis congenita, autosomal dominant 1. Last evaluated: 2024-07-25. Review status: criteria provided, single submitter. Criteria: Invitae Variant Classification Sherloc (09022015). Collection method: clinical testing. Allele origin: germline.
Comment: This variant occurs in the TERC gene, which encodes an RNA molecule that does not result in a protein product. This variant is not present in population databases (gnomAD no frequency). This variant has not been reported in the literature in individuals affected with TERC-related conditions. ClinVar contains an entry for this variant (Variation ID: 836742). This variant is located within the hypervariable region that is not conserved in the TERC RNA component (PMID: 10721988, 21844345). The functional significance of this region is not well understood. In summary, the available evidence is currently insufficient to determine the role of this variant in disease. Therefore, it has been classified as a Variant of Uncertain Significance.

Literature cited by the submitters: PubMed 10721988; PubMed 21844345.

NC_000003.12:g.169764864C>T

Genes: TERC (telomerase RNA component; minus strand), LOC110806306 (telomerase RNA component (TERC) promoter; plus strand). Cytogenetic location: 3q26.2.
Variant type: single nucleotide variant.
Genome position: GRCh38 VCF-style: chr3-169764864-C-T. GRCh37 (hg19) VCF-style: chr3-169482652-C-T.
Identifiers: ClinVar variation 836742 (VCV000836742.8), dbSNP rs763663847, ClinGen allele CA2696810.
Genomic context (GRCh38, chr3:169,764,864, plus strand): 5'-CGGCCTCCAGGCGGGGTTCGGGGGCTGGGCAGGCGACCCGCCGCAGGTCCCCGGGAGGGG[C>T]GAACGGGCCAGCAGCTGACATTTTTTGTTTGCTCTAGAATGAACGGTGGAAGGCGGCAGG-3'